The following is an entry in ClinVar:

NM_005859.5(PURA):c.812_814del (p.Phe271del)

Gene: PURA (purine rich element binding protein A; plus strand). Cytogenetic location: 5q31.3.
Variant type: Deletion.
Coding change: c.812_814del on transcript NM_005859.5 (MANE Select); coding-DNA positions 812 to 814, 3 bases deleted (TCT; older notation c.812_814delTCT).
Protein change: p.Phe271del; deletes phenylalanine 271.
Molecular consequence: inframe deletion.
Genome position (GRCh38, 1-based): chr5:140,114,993-140,114,995, TCT deleted; deleting any 3 consecutive bases within chr5:140,114,991-140,114,995 gives the same sequence; the c. name uses the placement nearest the transcript's 3' end. VCF-style (leftmost placement, unchanged base first): chr5-140114990-CCTT-C. GRCh37 (hg19) VCF-style: chr5-139494575-CCTT-C.
Other names: c.812_814del (NM_005859.4); c.810_812del (NM_005859.5); short protein forms F271del.
Identifiers: ClinVar variation 156403 (VCV000156403.9), dbSNP rs587782991, ClinGen allele CA174989.
Genomic context (GRCh38, chr5:140,114,990, plus strand): 5'-AGCCCACCTATCGCAACTCCATCACCGTGCCCTACAAGGTGTGGGCCAAGTTCGGACACA[CCTT>C]CTGCAAGTACTCGGAGGAGATGAAGAAGATTCAAGAGAAGCAGAGGGAGAAGCGGGCTGC-3'

ClinVar aggregate classification (germline): Pathogenic. Review status: criteria provided, multiple submitters, no conflicts (2 of 4 stars). 8 submissions from 8 submitters: Pathogenic (5). 3 of the submissions do not count toward it. Last evaluated 2025-09-21.

Conditions:
PURA-related severe neonatal hypotonia-seizures-encephalopathy syndrome (NEDRIHF). Also called: NEURODEVELOPMENTAL DISORDER WITH NEONATAL RESPIRATORY INSUFFICIENCY, HYPOTONIA, AND FEEDING DIFFICULTIES; PURA-Related Neurodevelopmental Disorders. Identifiers: Orphanet 438213, Orphanet 438216, MedGen C4015357, MONDO:1060108, OMIM 616158, MONDO:0018580.
Neonatal hypotonia. Identifiers: MedGen C2267233, HP:0001319.
Global developmental delay (DD). Also called: Cognitive delay. Identifiers: MedGen C0557874, HP:0001263. Disease mechanism: loss of function.
Intellectual disability. Also called: Intellectual developmental disorder; Intellectual functioning disability; intellectual disabilities. Identifiers: MedGen C3714756, MeSH D008607, MONDO:0001071, HP:0001249.
Delayed speech and language development. Also called: Language delay. Identifiers: MedGen C0454644, HP:0000750.
Seizure. Also called: Seizures. Identifiers: MedGen C0036572, HP:0001250.

Submissions (8):

Labcorp Genetics (formerly Invitae), Labcorp
Classification: Pathogenic for PURA-related severe neonatal hypotonia-seizures-encephalopathy syndrome. Last evaluated: 2025-09-21. Review status: criteria provided, single submitter. Criteria: Invitae Variant Classification Sherloc (09022015). Collection method: clinical testing. Allele origin: germline.
Comment: This variant, c.812_814del, results in the deletion of 1 amino acid(s) of the PURA protein (p.Phe271del), but otherwise preserves the integrity of the reading frame. This variant is not present in population databases (gnomAD no frequency). This variant has been observed in individual(s) with clinical features of PURA syndrome (PMID: 25439098, 29097605). In at least one individual the variant was observed to be de novo. ClinVar contains an entry for this variant (Variation ID: 156403). For these reasons, this variant has been classified as Pathogenic.

GeneDx
Classification: Pathogenic. Last evaluated: 2023-05-04. Review status: criteria provided, single submitter. Criteria: GeneDx Variant Classification Process June 2021. Collection method: clinical testing. Allele origin: germline. Affected: yes.
Comment: Not observed at significant frequency in large population cohorts (gnomAD); In-frame deletion of 1 amino acid in a non-repeat region; In silico analysis supports a deleterious effect on protein structure/function; This variant is associated with the following publications: (PMID: 25439098, 29720203, 29097605, 32037394, 34008892, 32959227, 32860008)

Fulgent Genetics
Classification: Pathogenic for PURA-related severe neonatal hypotonia-seizures-encephalopathy syndrome. Last evaluated: 2022-02-04. Review status: criteria provided, single submitter. Criteria: ACMG Guidelines, 2015. Collection method: clinical testing. Allele origin: unknown.

Laboratory of Medical Genetics, National & Kapodistrian University of Athens
Classification: Pathogenic for PURA-related severe neonatal hypotonia-seizures-encephalopathy syndrome. Last evaluated: 2021-08-10. Review status: criteria provided, single submitter. Criteria: ACMG Guidelines, 2015. Collection method: clinical testing. Allele origin: unknown. Affected: yes.
Comment: PVS1, PM2, PP3, PP5

CENTOGENE GmbH and LLC - Guiding Precision Medicine
Classification: Pathogenic for PURA-related severe neonatal hypotonia-seizures-encephalopathy syndrome. Review status: criteria provided, single submitter. Criteria: ACMG Guidelines, 2015. Collection method: clinical testing. Allele origin: germline. Affected: yes.

OMIM
Classification: Pathogenic for NEURODEVELOPMENTAL DISORDER WITH NEONATAL RESPIRATORY INSUFFICIENCY, HYPOTONIA, AND FEEDING DIFFICULTIES. Last evaluated: 2014-11-06. Review status: no assertion criteria provided. Collection method: literature only. Allele origin: germline. Not counted in ClinVar's aggregate classification.

Whole genome laboratory; Baylor College of Medicine
Classification: Pathogenic for Neonatal hypotonia; Delayed speech and language development; Intellectual disability; Global developmental delay; Seizures. Last evaluated: 2014-09-15. Review status: no assertion criteria provided. Collection method: clinical testing. Allele origin: germline. Affected: yes. Observed: 1 variant allele. Study: Clinical exome sequencing test. Not counted in ClinVar's aggregate classification.
Comment: Sporadic neonatal hypotonia, developmental delay, speech impairment, sleep apnea, and intellectual disability

GeneReviews
No classification provided. Condition: PURA-related severe neonatal hypotonia-seizures-encephalopathy syndrome. Review status: no classification provided. Collection method: literature only. Allele origin: germline. Not counted in ClinVar's aggregate classification.

Literature cited by the submitters: PubMed 25439098 (cited by Labcorp Genetics (formerly Invitae), Labcorp and OMIM); PubMed 29097605 (cited by Labcorp Genetics (formerly Invitae), Labcorp); PubMed 34008892 (cited by Laboratory of Medical Genetics, National & Kapodistrian University of Athens); PubMed 32860008 (cited by CENTOGENE GmbH and LLC - Guiding Precision Medicine); NCBI Bookshelf NBK426063 (cited by GeneReviews); PubMed 28448108 (cited by GeneReviews).